The following is an entry in ClinVar:

ClinVar aggregate classification (germline): Benign/Likely benign. Review status: criteria provided, multiple submitters, no conflicts (2 of 4 stars). 7 submissions from 7 submitters: Benign (1); Likely benign (6). Last evaluated 2026-07-14.

Conditions:
SMARCA4-related disorder. Also called: SMARCA4-related condition.
Hereditary cancer-predisposing syndrome. Also called: Hereditary Cancer Syndrome; Hereditary neoplastic syndrome; Neoplastic Syndromes, Hereditary; Tumor predisposition. Identifiers: Orphanet 140162, MedGen C0027672, MeSH D009386, MONDO:0015356.
Rhabdoid tumor predisposition syndrome 2 (RTPS2). Identifiers: Orphanet 231108, Orphanet 69077, MedGen C2750074, MONDO:0013224, OMIM 613325.

Allele frequency attached by ClinVar (database versions not stated): gnomAD exomes 0.00005 and 0.00004; gnomAD 0.00009 and 0.00008; ExAC 0.00009; TOPMed 0.00011; ESP Exome Variant Server 0.00008.
gnomAD v4.1: 78 of 1,610,614 alleles (0.0048%); highest among the groups gnomAD compares: Middle Eastern, 0.049%; no homozygotes.

Submissions (7):

Myriad Genetics, Inc.
Classification: Benign for Rhabdoid tumor predisposition syndrome 2. Last evaluated: 2026-07-14. Review status: criteria provided, single submitter. Criteria: Myriad Autosomal Dominant, Autosomal Recessive and X-Linked Classification Criteria (2023). Collection method: clinical testing. Allele origin: unknown.
Comment: This variant is considered benign. This variant is a silent/synonymous amino acid change and it is not expected to impact splicing.

Labcorp Genetics (formerly Invitae), Labcorp
Classification: Likely benign for Rhabdoid tumor predisposition syndrome 2. Last evaluated: 2026-01-30. Review status: criteria provided, single submitter. Criteria: Invitae Variant Classification Sherloc (09022015). Collection method: clinical testing. Allele origin: germline.

PreventionGenetics, part of Exact Sciences
Classification: Likely benign for SMARCA4-related condition. Last evaluated: 2025-06-19. Review status: criteria provided, single submitter. Criteria: ACMG Guidelines, 2015. Collection method: clinical testing. Allele origin: germline.
Comment: This variant is classified as likely benign based on ACMG/AMP sequence variant interpretation guidelines (Richards et al. 2015 PMID: 25741868, with internal and published modifications).

Quest Diagnostics Nichols Institute San Juan Capistrano
Classification: Likely benign. Last evaluated: 2025-06-03. Review status: criteria provided, single submitter. Criteria: Quest Diagnostics criteria. Collection method: clinical testing. Allele origin: unknown.

Blueprint Genetics
Classification: Likely benign. Last evaluated: 2024-11-18. Review status: criteria provided, single submitter. Criteria: ACMG Guidelines, 2015. Collection method: clinical testing. Allele origin: germline.

GeneDx
Classification: Likely benign. Last evaluated: 2021-01-14. Review status: criteria provided, single submitter. Criteria: GeneDx Variant Classification Process June 2021. Collection method: clinical testing. Allele origin: germline. Affected: yes.

Ambry Genetics
Classification: Likely benign for Hereditary cancer-predisposing syndrome. Last evaluated: 2015-07-09. Review status: criteria provided, single submitter. Criteria: Ambry Variant Classification Scheme 2023. Collection method: clinical testing. Allele origin: germline.

NM_003072.5(SMARCA4):c.2952C>T (p.Val984=)

Gene: SMARCA4 (SWI/SNF related BAF chromatin remodeling complex subunit ATPase 4; plus strand). Cytogenetic location: 19p13.2.
Variant type: single nucleotide variant.
Coding change: c.2952C>T on transcript NM_003072.5 (MANE Select); coding-DNA position 2952, C replaced by T.
Protein change: p.Val984=; no amino-acid change (valine 984 retained).
Molecular consequence: synonymous variant. On other transcripts: non-coding transcript variant (1).
Genome position (GRCh38, 1-based): chr19:11,023,610, C>T. VCF-style: chr19-11023610-C-T. GRCh37 (hg19) VCF-style: chr19-11134286-C-T.
Other names: c.2952C>T, p.Val984= (NM_001128844.3, NM_001128845.2, NM_001128846.2 and 5 more transcripts).
Identifiers: ClinVar variation 415038 (VCV000415038.21), dbSNP rs371276213, ClinGen allele CA9204266.
Genomic context (GRCh38, chr19:11,023,610, plus strand): 5'-CATCCGGCGTCTCCACAAAGTGCTGCGGCCCTTCTTGCTCCGACGACTCAAGAAGGAAGT[C>T]GAGGCCCAGTTGCCCGAAAAGGTGATGGAGTTTTGAGGGGAGCCACCAGTGAAGCAGCCT-3'
Protein context (NP_003063.2, residues 974-994): PFLLRRLKKE[Val984=]EAQLPEKVEY